The following is an entry in ClinVar:

ClinVar aggregate classification (germline): Benign/Likely benign. Review status: criteria provided, multiple submitters, no conflicts (2 of 4 stars). 6 submissions from 6 submitters: Benign (2); Likely benign (3). 1 of the submissions does not count toward it. Last evaluated 2026-02-04.

Conditions:
Peroxisome biogenesis disorder 13A (Zellweger). Also called: Peroxisome biogenesis disorder 13A. Identifiers: Orphanet 912, MedGen C3554004, MONDO:0013952, OMIM 614887.
Peroxisome biogenesis disorder, complementation group K (CGK). Identifiers: MedGen C1866257, MONDO:0800365.

Allele frequency attached by ClinVar (database versions not stated): 1000 Genomes Project 0.00439; 1000 Genomes Project 30x 0.00468; gnomAD exomes 0.00899; ExAC 0.00901; TOPMed 0.01010; ESP Exome Variant Server 0.01292.
gnomAD v4.1: 24,649 of 1,613,366 alleles (1.5%); highest among the groups gnomAD compares: Non-Finnish European, 1.9%; 294 homozygotes.

Submissions (6):

Labcorp Genetics (formerly Invitae), Labcorp
Classification: Benign for Peroxisome biogenesis disorder, complementation group K. Last evaluated: 2026-02-04. Review status: criteria provided, single submitter. Criteria: Invitae Variant Classification Sherloc (09022015). Collection method: clinical testing. Allele origin: germline.

ARUP Laboratories, Molecular Genetics and Genomics, ARUP Laboratories
Classification: Benign for Peroxisome biogenesis disorder 13A (Zellweger). Last evaluated: 2023-11-28. Review status: criteria provided, single submitter. Criteria: ARUP Molecular Germline Variant Investigation Process 2024. Collection method: clinical testing. Allele origin: germline.

Illumina Laboratory Services, Illumina
Classification: Likely benign for Peroxisome biogenesis disorder 13A (Zellweger). Last evaluated: 2018-01-13. Review status: criteria provided, single submitter. Criteria: ICSL Variant Classification Criteria 13 December 2019. Collection method: clinical testing. Allele origin: germline.
Comment: This variant was observed in the ICSL laboratory as part of a predisposition screen in an ostensibly healthy population. It had not been previously curated by ICSL or reported in the Human Gene Mutation Database (HGMD: prior to June 1st, 2018), and was therefore a candidate for classification through an automated scoring system. Utilizing variant allele frequency, disease prevalence and penetrance estimates, and inheritance mode, an automated score was calculated to assess if this variant is too frequent to cause the disease. Based on the score and internal cut-off values, a variant classified as likely benign is not then subjected to further curation. The score for this variant resulted in a classification of likely benign for this disease.

Breakthrough Genomics
Classification: Likely benign. Review status: criteria provided, single submitter. Criteria: ACMG Guidelines, 2015. Collection method: not provided. Allele origin: germline. Inheritance: Autosomal recessive inheritance. Affected: yes.

PreventionGenetics, part of Exact Sciences
Classification: Likely benign. Review status: criteria provided, single submitter. Criteria: ACMG Guidelines, 2015. Collection method: clinical testing. Allele origin: germline.

Mayo Clinic Laboratories, Mayo Clinic
Classification: Likely benign. Last evaluated: 2017-01-04. Review status: no assertion criteria provided. Collection method: clinical testing. Allele origin: unknown. Not counted in ClinVar's aggregate classification.

NM_004565.3(PEX14):c.213C>G (p.Gly71=)

Gene: PEX14 (peroxisomal biogenesis factor 14; plus strand). Cytogenetic location: 1p36.22.
Variant type: single nucleotide variant.
Coding change: c.213C>G on transcript NM_004565.3 (MANE Select); coding-DNA position 213, C replaced by G.
Protein change: p.Gly71=; no amino-acid change (glycine 71 retained).
Molecular consequence: synonymous variant.
Genome position (GRCh38, 1-based): chr1:10,599,281, C>G. VCF-style: chr1-10599281-C-G. GRCh37 (hg19) VCF-style: chr1-10659338-C-G.
Identifiers: ClinVar variation 259435 (VCV000259435.20), dbSNP rs41274482, ClinGen allele CA583756.